The following is an entry in ClinVar:

NM_133259.4(LRPPRC):c.328A>G (p.Asn110Asp)

Gene: LRPPRC (leucine rich pentatricopeptide repeat containing; minus strand). Cytogenetic location: 2p21.
Variant type: single nucleotide variant.
Coding change: c.328A>G on transcript NM_133259.4 (MANE Select); coding-DNA position 328, A replaced by G.
Protein change: p.Asn110Asp; replaces asparagine 110 with aspartic acid.
Molecular consequence: missense variant.
Genome position (GRCh38, 1-based): chr2:43,982,256, T>C on the plus strand (A>G on the coding strand, the complement: LRPPRC is on the minus strand). VCF-style: chr2-43982256-T-C. GRCh37 (hg19) VCF-style: chr2-44209395-T-C.
Other names: short protein forms N110D.
Identifiers: ClinVar variation 2089467 (VCV002089467.1), dbSNP rs1198850545, ClinGen allele CA346678083.

ClinVar aggregate classification (germline): Uncertain significance (1 of 4 stars; one submission).

gnomAD v4.1: 19 of 1,572,888 alleles (0.0012%); highest among the groups gnomAD compares: Non-Finnish European, 0.0015%; no homozygotes.

Submission:

Labcorp Genetics (formerly Invitae), Labcorp
Classification: Uncertain significance. Last evaluated: 2022-07-21. Review status: criteria provided, single submitter. Criteria: Invitae Variant Classification Sherloc (09022015). Collection method: clinical testing. Allele origin: germline.
Comment: This sequence change replaces asparagine, which is neutral and polar, with aspartic acid, which is acidic and polar, at codon 110 of the LRPPRC protein (p.Asn110Asp). This variant is present in population databases (no rsID available, gnomAD 0.001%). This variant has not been reported in the literature in individuals affected with LRPPRC-related conditions. Algorithms developed to predict the effect of missense changes on protein structure and function output the following: SIFT: "Tolerated"; PolyPhen-2: "Benign"; Align-GVGD: "Class C0". The aspartic acid amino acid residue is found in multiple mammalian species, which suggests that this missense change does not adversely affect protein function. In summary, the available evidence is currently insufficient to determine the role of this variant in disease. Therefore, it has been classified as a Variant of Uncertain Significance.